The following is an entry in ClinVar:

NM_001374828.1(ARID1B):c.1281GGC[5] (p.Ala433dup)

Gene: ARID1B (AT-rich interaction domain 1B; plus strand). Cytogenetic location: 6q25.3.
Variant type: Microsatellite.
Coding change: c.1281GGC[5] on transcript NM_001374828.1 (MANE Select); five copies in a row of the 3-base unit GGC starting at c.1281; the reference has four copies in a row; one copy, 3 bases duplicated.
Protein change: p.Ala433dup; duplicates alanine 433.
Molecular consequence: inframe insertion.
Genome position (GRCh38, 1-based): chr6:156,778,970-156,778,972, GGC duplicated; duplicating any 3 consecutive bases within chr6:156,778,959-156,778,972 gives the same sequence; the position shown is the placement nearest the transcript's 3' end. VCF-style (leftmost placement, unchanged base first): chr6-156778958-C-CGCG. GRCh37 (hg19) VCF-style: chr6-157100092-C-CGCG.
Other names: c.1281GGC[5], p.Ala433dup (NM_001371656.1, NM_001374820.1, NM_017519.3).
Identifiers: ClinVar variation 589688 (VCV000589688.30), dbSNP rs764418312, ClinGen allele CA571907160.

ClinVar aggregate classification (germline): Likely benign. Review status: criteria provided, multiple submitters, no conflicts (2 of 4 stars). 7 submissions from 7 submitters: Likely benign (5). 2 of the submissions do not count toward it. Last evaluated 2026-08-01.

Conditions:
ARID1B-Related Disorder. Identifiers: MedGen CN381337.
Inborn genetic diseases. Identifiers: MedGen C0950123, MeSH D030342.

Submissions (7):

CeGaT Center for Human Genetics Tuebingen
Classification: Likely benign. Last evaluated: 2026-08-01. Review status: criteria provided, single submitter. Criteria: CeGaT Center For Human Genetics Tuebingen Variant Classification Criteria Version 2. Collection method: clinical testing. Allele origin: germline. Affected: yes. Observed: 4 variant alleles.
Comment: ARID1B: BS1

Labcorp Genetics (formerly Invitae), Labcorp
Classification: Likely benign. Last evaluated: 2025-11-24. Review status: criteria provided, single submitter. Criteria: Invitae Variant Classification Sherloc (09022015). Collection method: clinical testing. Allele origin: germline.

Blueprint Genetics
Classification: Likely benign. Last evaluated: 2024-11-21. Review status: criteria provided, single submitter. Criteria: ACMG Guidelines, 2015. Collection method: clinical testing. Allele origin: germline.

GeneDx
Classification: Likely benign. Last evaluated: 2021-06-15. Review status: criteria provided, single submitter. Criteria: GeneDx Variant Classification Process June 2021. Collection method: clinical testing. Allele origin: germline. Affected: yes.
Comment: This variant is associated with the following publications: (PMID: 27789416)

Ambry Genetics
Classification: Likely benign for Inborn genetic diseases. Last evaluated: 2016-06-29. Review status: criteria provided, single submitter. Criteria: Ambry Variant Classification Scheme 2023. Collection method: clinical testing. Allele origin: germline.

PreventionGenetics, part of Exact Sciences
Classification: Likely benign for ARID1B-related condition. Last evaluated: 2024-01-02. Review status: no assertion criteria provided. Collection method: clinical testing. Allele origin: germline. Not counted in ClinVar's aggregate classification.
Comment: This variant is classified as likely benign based on ACMG/AMP sequence variant interpretation guidelines (Richards et al. 2015 PMID: 25741868, with internal and published modifications).

Gharavi Laboratory, Columbia University
Classification: Uncertain significance. Last evaluated: 2018-09-16. Review status: no assertion criteria provided. Criteria: ACMG Guidelines, 2015. Collection method: research. Allele origin: germline. Affected: yes. Not counted in ClinVar's aggregate classification.